The following is an entry in ClinVar:

NM_000103.4(CYP19A1):c.115T>C (p.Trp39Arg)

Genes: MIR4713HG (MIR4713 host gene; plus strand), PIRC66 (piwi-interacting RNA cluster 66; plus strand), CYP19A1 (cytochrome P450 family 19 subfamily A member 1; minus strand). Cytogenetic location: 15q21.2.
Variant type: single nucleotide variant.
Coding change: c.115T>C on transcript NM_000103.4 (MANE Select); coding-DNA position 115, T replaced by C.
Protein change: p.Trp39Arg; replaces tryptophan 39 with arginine.
Molecular consequence: missense variant.
Genome position (GRCh38, 1-based): chr15:51,242,798, A>G on the plus strand (T>C on the coding strand, the complement: CYP19A1 is on the minus strand). VCF-style: chr15-51242798-A-G. GRCh37 (hg19) VCF-style: chr15-51534995-A-G.
Other names: c.115T>C, p.Trp39Arg (NM_001347248.1, NM_001347249.2, NM_001347250.2 and 7 more transcripts); short protein forms W39R.
Identifiers: ClinVar variation 316479 (VCV000316479.17), dbSNP rs2236722, ClinGen allele CA7560164.

ClinVar aggregate classification (germline): Benign/Likely benign. Review status: criteria provided, multiple submitters, no conflicts (2 of 4 stars). 3 submissions from 3 submitters: Benign (2); Likely benign (1). Last evaluated 2026-01-26.

Conditions:
Aromatase deficiency. Also called: Increased aromatase activity; PSEUDOHERMAPHRODITISM, FEMALE, DUE TO PLACENTAL AROMATASE DEFICIENCY. Identifiers: Orphanet 91, MedGen C1960539, MONDO:0013301, OMIM 613546.

Allele frequency attached by ClinVar (database versions not stated): gnomAD 0.00092 and 0.00129; gnomAD exomes 0.00114 and 0.00336; TOPMed 0.00175; ExAC 0.00327; 1000 Genomes Project 30x 0.00593; 1000 Genomes Project 0.00659.
gnomAD v4.1: 1,877 of 1,582,966 alleles (0.12%); highest among the groups gnomAD compares: East Asian, 3.9%; 39 homozygotes.

Submissions (3):

Labcorp Genetics (formerly Invitae), Labcorp
Classification: Benign. Last evaluated: 2026-01-26. Review status: criteria provided, single submitter. Criteria: Invitae Variant Classification Sherloc (09022015). Collection method: clinical testing. Allele origin: germline.

GeneDx
Classification: Benign. Last evaluated: 2021-03-01. Review status: criteria provided, single submitter. Criteria: GeneDx Variant Classification Process June 2021. Collection method: clinical testing. Allele origin: germline. Affected: yes.
Comment: This variant is associated with the following publications: (PMID: 10956405, 20133979, 16322257)

Illumina Laboratory Services, Illumina
Classification: Likely benign for Aromatase deficiency. Last evaluated: 2017-04-27. Review status: criteria provided, single submitter. Criteria: ICSL Variant Classification Criteria 13 December 2019. Collection method: clinical testing. Allele origin: germline.
Comment: This variant was observed as part of a predisposition screen in an ostensibly healthy population. A literature search was performed for the gene, cDNA change, and amino acid change (where applicable). No publications were found based on this search. Allele frequency data from public databases allowed determination this variant is unlikely to cause disease. Therefore, this variant is classified as likely benign.